The following is an entry in ClinVar:

NM_005378.6(MYCN):c.1172G>A (p.Arg391His)

Gene: MYCN (MYCN proto-oncogene, bHLH transcription factor; plus strand). Cytogenetic location: 2p24.3.
Variant type: single nucleotide variant.
Coding change: c.1172G>A on transcript NM_005378.6 (MANE Select); coding-DNA position 1172, G replaced by A.
Protein change: p.Arg391His; replaces arginine 391 with histidine.
Molecular consequence: missense variant. On other transcripts: 3 prime UTR variant (1).
Genome position (GRCh38, 1-based): chr2:15,945,874, G>A. VCF-style: chr2-15945874-G-A. GRCh37 (hg19) VCF-style: chr2-16085996-G-A.
Other names: c.1172G>A, p.Arg391His (NM_001293228.2); c.539G>A, p.Arg180His (NM_001293231.2); c.*1107G>A (NM_001293233.2); short protein forms R180H, R391H.
Identifiers: ClinVar variation 4891136 (VCV004891136.1).

ClinVar aggregate classification (germline): Likely pathogenic (1 of 4 stars; one submission).

Conditions:
MYCN-related disorder. Also called: MYCN-related condition.

Submission:

Greenwood Genetic Center Diagnostic Laboratories, Greenwood Genetic Center
Classification: Likely pathogenic for MYCN-related disorder. Last evaluated: 2026-06-05. Review status: criteria provided, single submitter. Criteria: ACMG Guidelines, 2015. Collection method: clinical testing. Allele origin: germline. Affected: yes.
Comment: PM1, PM2, PM6, PP3